The following is an entry in ClinVar:

ClinVar aggregate classification (germline): Conflicting classifications of pathogenicity. Review status: criteria provided, conflicting classifications (1 of 4 stars). 2 submissions from 2 submitters: Likely pathogenic (1); Uncertain significance (1). Last evaluated 2024-01-10.

Conditions:
Bardet-Biedl syndrome (BBS). Identifiers: Orphanet 110, MedGen C0752166, MONDO:0015229.
Retinitis pigmentosa 74 (RP74). Identifiers: Orphanet 791, MedGen C4225281, MONDO:0014692, OMIM 616562.
Bardet-Biedl syndrome 2 (BBS2). Identifiers: Orphanet 110, MedGen C2936863, MONDO:0014432, OMIM 615981.

Allele frequency attached by ClinVar (database versions not stated): ExAC 0.00001; gnomAD exomes 0.00001.
gnomAD v4.1: 7 of 1,612,506 alleles (0.00043%); highest among the groups gnomAD compares: African/African-American, 0.0013%; no homozygotes.

Submissions (2):

Fulgent Genetics
Classification: Likely pathogenic for Bardet-Biedl syndrome 2; Retinitis pigmentosa 74. Last evaluated: 2024-01-10. Review status: criteria provided, single submitter. Criteria: ACMG Guidelines, 2015. Collection method: clinical testing. Allele origin: germline.

Labcorp Genetics (formerly Invitae), Labcorp
Classification: Uncertain significance for Bardet-Biedl syndrome. Last evaluated: 2022-03-13. Review status: criteria provided, single submitter. Criteria: Invitae Variant Classification Sherloc (09022015). Collection method: clinical testing. Allele origin: germline.
Comment: This sequence change affects codon 39 of the BBS2 mRNA. It is a 'silent' change, meaning that it does not change the encoded amino acid sequence of the BBS2 protein. This variant also falls at the last nucleotide of exon 1, which is part of the consensus splice site for this exon. This variant is present in population databases (rs755877218, gnomAD 0.007%). This variant has been observed in individual(s) with clinical features of Bardet-Biedl syndrome (PMID: 21344540; Invitae). ClinVar contains an entry for this variant (Variation ID: 1021318). Variants that disrupt the consensus splice site are a relatively common cause of aberrant splicing (PMID: 17576681, 9536098). Algorithms developed to predict the effect of sequence changes on RNA splicing suggest that this variant may disrupt the consensus splice site. In summary, the available evidence is currently insufficient to determine the role of this variant in disease. Therefore, it has been classified as a Variant of Uncertain Significance.

Literature cited by the submitters: PubMed 21344540 (cited by Labcorp Genetics (formerly Invitae), Labcorp); PubMed 17576681 (cited by Labcorp Genetics (formerly Invitae), Labcorp); PubMed 9536098 (cited by Labcorp Genetics (formerly Invitae), Labcorp).

NM_031885.5(BBS2):c.117G>A (p.Lys39=)

Gene: BBS2 (Bardet-Biedl syndrome 2; minus strand). Cytogenetic location: 16q13.
Variant type: single nucleotide variant.
Coding change: c.117G>A on transcript NM_031885.5 (MANE Select); coding-DNA position 117, G replaced by A.
Protein change: p.Lys39=; no amino-acid change (lysine 39 retained).
Molecular consequence: synonymous variant. On other transcripts: non-coding transcript variant (5).
Genome position (GRCh38, 1-based): chr16:56,519,746, C>T on the plus strand (G>A on the coding strand, the complement: BBS2 is on the minus strand). VCF-style: chr16-56519746-C-T. GRCh37 (hg19) VCF-style: chr16-56553658-C-T.
Other names: c.117G>A, p.Lys39= (NM_001377456.1).
Identifiers: ClinVar variation 1021318 (VCV001021318.7), dbSNP rs755877218, ClinGen allele CA8066136.